The following is an entry in ClinVar:

NM_000138.5(FBN1):c.*43A>T

Gene: FBN1 (fibrillin 1; minus strand). Cytogenetic location: 15q21.1.
Variant type: single nucleotide variant.
Coding change: c.*43A>T on transcript NM_000138.5 (MANE Select); 43 bases downstream of the stop codon, A replaced by T.
Molecular consequence: 3 prime UTR variant.
Genome position (GRCh38, 1-based): chr15:48,410,947, T>A on the plus strand (A>T on the coding strand, the complement: FBN1 is on the minus strand). VCF-style: chr15-48410947-T-A. GRCh37 (hg19) VCF-style: chr15-48703144-T-A.
Identifiers: ClinVar variation 888468 (VCV000888468.4), dbSNP rs144710695, ClinGen allele CA052741.

ClinVar aggregate classification (germline): Conflicting classifications of pathogenicity. Review status: criteria provided, conflicting classifications (1 of 4 stars). 7 submissions from 1 submitter: Uncertain significance (1); Benign (5); Likely benign (1). Last evaluated 2018-01-12.

Conditions:
Geleophysic dysplasia. Identifiers: Orphanet 2623, MedGen C3489726, MONDO:0000127.
Ectopia lentis 1, isolated, autosomal dominant (ECTOL1). Identifiers: Orphanet 1885, MedGen C3541518, MONDO:0007514, OMIM 129600.
Acromicric dysplasia (ACMICD). Also called: Acromicric skeletal dysplasia. Identifiers: Orphanet 969, MedGen C0265287, MONDO:0007055, OMIM 102370.
Marfan syndrome (MFS). Also called: Marfan syndrome, classic; Marfan syndrome type 1; Marfan's syndrome; FBN1-Related Marfan Syndrome; MARFAN SYNDROME, TYPE I. Identifiers: Orphanet 284963, Orphanet 558, MedGen C0024796, MONDO:0007947, OMIM 154700.
Weill-Marchesani syndrome. Also called: WM Syndrome; Mesodermal dysmorphodystrophy congenital. Identifiers: Orphanet 3449, MedGen C0265313, MONDO:0018096.
Familial thoracic aortic aneurysm and aortic dissection (TAAD). Also called: Thoracic aortic aneurysms and dissections. Identifiers: Orphanet 91387, MedGen C4707243, MONDO:0019625.
Stiff skin syndrome (SSKS). Identifiers: Orphanet 2833, MedGen C1861456, MONDO:0008492, OMIM 184900.

Allele frequency attached by ClinVar (database versions not stated): gnomAD 0.00043; gnomAD exomes 0.00053 and 0.00050; ESP Exome Variant Server 0.00039; 1000 Genomes Project 30x 0.00016; TOPMed 0.00049; 1000 Genomes Project 0.00020; ExAC 0.00048.
gnomAD v4.1: 773 of 1,558,622 alleles (0.05%); highest among the groups gnomAD compares: Middle Eastern, 0.11%; no homozygotes.

Submissions (7):

Illumina Laboratory Services, Illumina
Classification: Benign for Stiff skin syndrome. Last evaluated: 2018-01-12. Review status: criteria provided, single submitter. Criteria: ICSL Variant Classification Criteria 13 December 2019. Collection method: clinical testing. Allele origin: germline.
Comment: This variant was observed in the ICSL laboratory as part of a predisposition screen in an ostensibly healthy population. It had not been previously curated by ICSL or reported in the Human Gene Mutation Database (HGMD: prior to June 1st, 2018), and was therefore a candidate for classification through an automated scoring system. Utilizing variant allele frequency, disease prevalence and penetrance estimates, and inheritance mode, an automated score was calculated to assess if this variant is too frequent to cause the disease. Based on the score and internal cut-off values, a variant classified as benign is not then subjected to further curation. The score for this variant resulted in a classification of benign for this disease.

Illumina Laboratory Services, Illumina
Classification: Likely benign for Marfan syndrome. Last evaluated: 2018-01-12. Review status: criteria provided, single submitter. Criteria: ICSL Variant Classification Criteria 13 December 2019. Collection method: clinical testing. Allele origin: germline.
Comment: This variant was observed in the ICSL laboratory as part of a predisposition screen in an ostensibly healthy population. It had not been previously curated by ICSL or reported in the Human Gene Mutation Database (HGMD: prior to June 1st, 2018), and was therefore a candidate for classification through an automated scoring system. Utilizing variant allele frequency, disease prevalence and penetrance estimates, and inheritance mode, an automated score was calculated to assess if this variant is too frequent to cause the disease. Based on the score and internal cut-off values, a variant classified as likely benign is not then subjected to further curation. The score for this variant resulted in a classification of likely benign for this disease.

Illumina Laboratory Services, Illumina
Classification: Uncertain significance for Familial thoracic aortic aneurysm and aortic dissection. Last evaluated: 2018-01-12. Review status: criteria provided, single submitter. Criteria: ICSL Variant Classification Criteria 13 December 2019. Collection method: clinical testing. Allele origin: germline.

Illumina Laboratory Services, Illumina
Classification: Benign for Weill-Marchesani syndrome. Last evaluated: 2018-01-12. Review status: criteria provided, single submitter. Criteria: ICSL Variant Classification Criteria 13 December 2019. Collection method: clinical testing. Allele origin: germline.
Comment: the same text as in the submission from Illumina Laboratory Services, Illumina above.

Illumina Laboratory Services, Illumina
Classification: Benign for Geleophysic dysplasia. Last evaluated: 2018-01-12. Review status: criteria provided, single submitter. Criteria: ICSL Variant Classification Criteria 13 December 2019. Collection method: clinical testing. Allele origin: germline.
Comment: the same text as in the submission from Illumina Laboratory Services, Illumina above.

Illumina Laboratory Services, Illumina
Classification: Benign for Ectopia lentis 1, isolated, autosomal dominant. Last evaluated: 2018-01-12. Review status: criteria provided, single submitter. Criteria: ICSL Variant Classification Criteria 13 December 2019. Collection method: clinical testing. Allele origin: germline.
Comment: the same text as in the submission from Illumina Laboratory Services, Illumina above.

Illumina Laboratory Services, Illumina
Classification: Benign for Acromicric dysplasia. Last evaluated: 2018-01-12. Review status: criteria provided, single submitter. Criteria: ICSL Variant Classification Criteria 13 December 2019. Collection method: clinical testing. Allele origin: germline.
Comment: the same text as in the submission from Illumina Laboratory Services, Illumina above.